The following is an entry in ClinVar:

NM_000334.4(SCN4A):c.1612G>C (p.Glu538Gln)

Gene: SCN4A (sodium voltage-gated channel alpha subunit 4; minus strand). Cytogenetic location: 17q23.3.
Variant type: single nucleotide variant.
Coding change: c.1612G>C on transcript NM_000334.4 (MANE Select); coding-DNA position 1612, G replaced by C.
Protein change: p.Glu538Gln; replaces glutamic acid 538 with glutamine.
Molecular consequence: missense variant.
Genome position (GRCh38, 1-based): chr17:63,961,426, C>G on the plus strand (G>C on the coding strand, the complement: SCN4A is on the minus strand). VCF-style: chr17-63961426-C-G. GRCh37 (hg19) VCF-style: chr17-62038786-C-G.
Other names: short protein forms E538Q.
Identifiers: ClinVar variation 1413702 (VCV001413702.6), dbSNP rs1450925196, ClinGen allele CA400634152.

ClinVar aggregate classification (germline): Uncertain significance (1 of 4 stars; one submission).

Conditions:
Hyperkalemic periodic paralysis. Also called: Familial hyperkalemic periodic paralysis; Gamstorp disease. Identifiers: Orphanet 682, MedGen C0238357, MONDO:0008224, OMIM 170500, HP:0007215.

Allele frequency attached by ClinVar (database versions not stated): gnomAD exomes below 0.00001.
gnomAD v4.1: 1 of 1,612,030 alleles (0.000062%); highest among the groups gnomAD compares: Admixed American, 0.0017%; no homozygotes.

Submission:

Labcorp Genetics (formerly Invitae), Labcorp
Classification: Uncertain significance for Hyperkalemic periodic paralysis. Last evaluated: 2022-10-26. Review status: criteria provided, single submitter. Criteria: Invitae Variant Classification Sherloc (09022015). Collection method: clinical testing. Allele origin: germline.
Comment: ClinVar contains an entry for this variant (Variation ID: 1413702). This variant has not been reported in the literature in individuals affected with SCN4A-related conditions. This variant is present in population databases (no rsID available, gnomAD 0.003%). This sequence change replaces glutamic acid, which is acidic and polar, with glutamine, which is neutral and polar, at codon 538 of the SCN4A protein (p.Glu538Gln). Advanced modeling of protein sequence and biophysical properties (such as structural, functional, and spatial information, amino acid conservation, physicochemical variation, residue mobility, and thermodynamic stability) has been performed at Invitae for this missense variant, however the output from this modeling did not meet the statistical confidence thresholds required to predict the impact of this variant on SCN4A protein function. In summary, the available evidence is currently insufficient to determine the role of this variant in disease. Therefore, it has been classified as a Variant of Uncertain Significance.